The following is an entry in ClinVar:

NM_001372044.2(SHANK3):c.2958G>C (p.Ala986=)

Gene: SHANK3 (SH3 and multiple ankyrin repeat domains 3; plus strand). Cytogenetic location: 22q13.33.
Variant type: single nucleotide variant.
Coding change: c.2958G>C on transcript NM_001372044.2 (MANE Select); coding-DNA position 2958, G replaced by C.
Protein change: p.Ala986=; no amino-acid change (alanine 986 retained).
Molecular consequence: synonymous variant.
Genome position (GRCh38, 1-based): chr22:50,720,566, G>C. VCF-style: chr22-50720566-G-C. GRCh37 (hg19) VCF-style: chr22-51158994-G-C.
Other names: c.2733G>C, p.Ala911= (NM_033517.1).
Identifiers: ClinVar variation 3026486 (VCV003026486.22), dbSNP rs2146829608, ClinGen allele CA515259644.

ClinVar aggregate classification (germline): Likely benign (1 of 4 stars; one submission).

Submission:

CeGaT Center for Human Genetics Tuebingen
Classification: Likely benign. Last evaluated: 2024-02-01. Review status: criteria provided, single submitter. Criteria: CeGaT Center For Human Genetics Tuebingen Variant Classification Criteria Version 2. Collection method: clinical testing. Allele origin: germline. Affected: yes. Observed: 1 variant allele.
Comment: SHANK3: PM2:Supporting, BP4, BP7